The following is an entry in ClinVar:

NM_003846.3(PEX11B):c.49C>G (p.Leu17Val)

Gene: PEX11B (peroxisomal biogenesis factor 11 beta; minus strand). Cytogenetic location: 1q21.1.
Variant type: single nucleotide variant.
Coding change: c.49C>G on transcript NM_003846.3 (MANE Select); coding-DNA position 49, C replaced by G.
Protein change: p.Leu17Val; replaces leucine 17 with valine.
Molecular consequence: missense variant. On other transcripts: non-coding transcript variant (2).
Genome position (GRCh38, 1-based): chr1:145,918,640, G>C on the plus strand (C>G on the coding strand, the complement: PEX11B is on the minus strand). VCF-style: chr1-145918640-G-C. GRCh37 (hg19) VCF-style: chr1-145516449-C-G.
Other names: short protein forms L17V.
Identifiers: ClinVar variation 3641726 (VCV003641726.2).

ClinVar aggregate classification (germline): Uncertain significance (1 of 4 stars; one submission).

Submission:

Labcorp Genetics (formerly Invitae), Labcorp
Classification: Uncertain significance. Last evaluated: 2024-02-24. Review status: criteria provided, single submitter. Criteria: Invitae Variant Classification Sherloc (09022015). Collection method: clinical testing. Allele origin: germline.
Comment: This sequence change replaces leucine, which is neutral and non-polar, with valine, which is neutral and non-polar, at codon 17 of the PEX11B protein (p.Leu17Val). This variant is not present in population databases (gnomAD no frequency). This variant has not been reported in the literature in individuals affected with PEX11B-related conditions. An algorithm developed to predict the effect of missense changes on protein structure and function (PolyPhen-2) suggests that this variant is likely to be tolerated. Algorithms developed to predict the effect of sequence changes on RNA splicing suggest that this variant may create or strengthen a splice site. In summary, the available evidence is currently insufficient to determine the role of this variant in disease. Therefore, it has been classified as a Variant of Uncertain Significance.